The following is an entry in ClinVar:

ClinVar aggregate classification (germline): Uncertain significance (1 of 4 stars; one submission).

Conditions:
Emery-Dreifuss muscular dystrophy 5, autosomal dominant (EDMD5). Also called: EMERY-DREIFUSS MUSCULAR DYSTROPHY 5. Identifiers: Orphanet 261, MedGen C2751805, MONDO:0013072, OMIM 612999.

Allele frequency attached by ClinVar (database versions not stated): gnomAD exomes below 0.00001 and 0.00001; ExAC 0.00001; TOPMed 0.00001.
gnomAD v4.1: 6 of 1,614,206 alleles (0.00037%); highest among the groups gnomAD compares: African/African-American, 0.0013%; no homozygotes.

Submission:

Labcorp Genetics (formerly Invitae), Labcorp
Classification: Uncertain significance for Emery-Dreifuss muscular dystrophy 5, autosomal dominant. Last evaluated: 2022-03-09. Review status: criteria provided, single submitter. Criteria: Invitae Variant Classification Sherloc (09022015). Collection method: clinical testing. Allele origin: germline.
Comment: In summary, the available evidence is currently insufficient to determine the role of this variant in disease. Therefore, it has been classified as a Variant of Uncertain Significance. Algorithms developed to predict the effect of sequence changes on RNA splicing suggest that this variant may create or strengthen a splice site. This sequence change replaces tyrosine, which is neutral and polar, with cysteine, which is neutral and slightly polar, at codon 4488 of the SYNE2 protein (p.Tyr4488Cys). This variant is present in population databases (rs775876760, gnomAD 0.003%). This variant has not been reported in the literature in individuals affected with SYNE2-related conditions. ClinVar contains an entry for this variant (Variation ID: 950887). Algorithms developed to predict the effect of missense changes on protein structure and function output the following: SIFT: "Tolerated"; PolyPhen-2: "Benign"; Align-GVGD: "Class C0". The cysteine amino acid residue is found in multiple mammalian species, which suggests that this missense change does not adversely affect protein function.

NM_182914.3(SYNE2):c.13463A>G (p.Tyr4488Cys)

Gene: SYNE2 (spectrin repeat containing nuclear envelope protein 2; plus strand). Cytogenetic location: 14q23.2.
Variant type: single nucleotide variant.
Coding change: c.13463A>G on transcript NM_182914.3 (MANE Select); coding-DNA position 13463, A replaced by G.
Protein change: p.Tyr4488Cys; replaces tyrosine 4488 with cysteine.
Molecular consequence: missense variant.
Genome position (GRCh38, 1-based): chr14:64,125,119, A>G. VCF-style: chr14-64125119-A-G. GRCh37 (hg19) VCF-style: chr14-64591837-A-G.
Other names: c.13463A>G, p.Tyr4488Cys (NM_015180.6); short protein forms Y4488C.
Identifiers: ClinVar variation 950887 (VCV000950887.9), dbSNP rs775876760, ClinGen allele CA7222460.